The following is an entry in ClinVar:

NM_014974.3(DIP2C):c.3214G>A (p.Val1072Ile)

Gene: DIP2C (DIP2 acetate--CoA ligase C (putative); minus strand). Cytogenetic location: 10p15.3.
Variant type: single nucleotide variant.
Coding change: c.3214G>A on transcript NM_014974.3 (MANE Select); coding-DNA position 3214, G replaced by A.
Protein change: p.Val1072Ile; replaces valine 1072 with isoleucine.
Molecular consequence: missense variant.
Genome position (GRCh38, 1-based): chr10:348,658, C>T on the plus strand (G>A on the coding strand, the complement: DIP2C is on the minus strand). VCF-style: chr10-348658-C-T. GRCh37 (hg19) VCF-style: chr10-394598-C-T.
Other names: short protein forms V1072I.
Identifiers: ClinVar variation 1471314 (VCV001471314.6), dbSNP rs756095859, ClinGen allele CA5380080.

ClinVar aggregate classification (germline): Uncertain significance (1 of 4 stars; one submission).

Allele frequency attached by ClinVar (database versions not stated): TOPMed below 0.00001; ExAC 0.00002; gnomAD exomes 0.00002.

Submission:

Labcorp Genetics (formerly Invitae), Labcorp
Classification: Uncertain significance. Last evaluated: 2025-10-21. Review status: criteria provided, single submitter. Criteria: Invitae Variant Classification Sherloc (09022015). Collection method: clinical testing. Allele origin: germline.
Comment: This sequence change replaces valine, which is neutral and non-polar, with isoleucine, which is neutral and non-polar, at codon 1072 of the DIP2C protein (p.Val1072Ile). This variant is present in population databases (rs756095859, gnomAD 0.009%). This variant has not been reported in the literature in individuals affected with DIP2C-related conditions. ClinVar contains an entry for this variant (Variation ID: 1471314). An algorithm developed to predict the effect of missense changes on protein structure and function (PolyPhen-2) suggests that this variant is likely to be tolerated. In summary, the available evidence is currently insufficient to determine the role of this variant in disease. Therefore, it has been classified as a Variant of Uncertain Significance.